The following is an entry in ClinVar:

NM_003743.5(NCOA1):c.2497A>T (p.Thr833Ser)

Gene: NCOA1 (nuclear receptor coactivator 1; plus strand). Cytogenetic location: 2p23.3.
Variant type: single nucleotide variant.
Coding change: c.2497A>T on transcript NM_003743.5 (MANE Select); coding-DNA position 2497, A replaced by T.
Protein change: p.Thr833Ser; replaces threonine 833 with serine.
Molecular consequence: missense variant.
Genome position (GRCh38, 1-based): chr2:24,711,009, A>T. VCF-style: chr2-24711009-A-T. GRCh37 (hg19) VCF-style: chr2-24933878-A-T.
Other names: c.2497A>T, p.Thr833Ser (NM_001362950.1, NM_001362952.1, NM_001362954.1 and 3 more transcripts); short protein forms T833S.
Identifiers: ClinVar variation 3346182 (VCV003346182.1).

ClinVar aggregate classification (germline): Uncertain significance (0 of 4 stars; one submission).

Conditions:
NCOA1-related disorder. Also called: NCOA1-related condition.

gnomAD v4.1: 2 of 1,614,196 alleles (0.00012%); highest among the groups gnomAD compares: Non-Finnish European, 0.00017%; no homozygotes.

Submission:

PreventionGenetics, part of Exact Sciences
Classification: Uncertain significance for NCOA1-related condition. Last evaluated: 2024-09-11. Review status: no assertion criteria provided. Collection method: clinical testing. Allele origin: germline.
Comment: The NCOA1 c.2497A>T variant is predicted to result in the amino acid substitution p.Thr833Ser. To our knowledge, this variant has not been reported in the literature or in a large population database, indicating this variant is rare. At this time, the clinical significance of this variant is uncertain due to the absence of conclusive functional and genetic evidence.